The following is an entry in ClinVar:

ClinVar aggregate classification (germline): Uncertain significance (1 of 4 stars; one submission).

Conditions:
Gastrointestinal stromal tumor. Also called: Gastrointestinal stromal tumor, somatic; Gastrointestinal stroma tumor. Identifiers: Orphanet 44890, MedGen C0238198, MeSH D046152, MONDO:0011719, OMIM 606764, HP:0100723.

Submission:

Labcorp Genetics (formerly Invitae), Labcorp
Classification: Uncertain significance for Gastrointestinal stromal tumor. Last evaluated: 2024-03-18. Review status: criteria provided, single submitter. Criteria: Invitae Variant Classification Sherloc (09022015). Collection method: clinical testing. Allele origin: germline.
Comment: This sequence change replaces arginine, which is basic and polar, with glycine, which is neutral and non-polar, at codon 151 of the PDGFRA protein (p.Arg151Gly). This variant is not present in population databases (gnomAD no frequency). This variant has not been reported in the literature in individuals affected with PDGFRA-related conditions. Advanced modeling of protein sequence and biophysical properties (such as structural, functional, and spatial information, amino acid conservation, physicochemical variation, residue mobility, and thermodynamic stability) performed at Invitae indicates that this missense variant is not expected to disrupt PDGFRA protein function with a negative predictive value of 80%. In summary, the available evidence is currently insufficient to determine the role of this variant in disease. Therefore, it has been classified as a Variant of Uncertain Significance.

NM_006206.6(PDGFRA):c.451C>G (p.Arg151Gly)

Gene: PDGFRA (platelet derived growth factor receptor alpha; plus strand). Cytogenetic location: 4q12.
Variant type: single nucleotide variant.
Coding change: c.451C>G on transcript NM_006206.6 (MANE Select); coding-DNA position 451, C replaced by G.
Protein change: p.Arg151Gly; replaces arginine 151 with glycine.
Molecular consequence: missense variant.
Genome position (GRCh38, 1-based): chr4:54,263,750, C>G. VCF-style: chr4-54263750-C-G. GRCh37 (hg19) VCF-style: chr4-55129917-C-G.
Other names: c.451C>G, p.Arg151Gly (NM_001347827.2, NM_001347829.2); c.526C>G, p.Arg176Gly (NM_001347828.2); c.490C>G, p.Arg164Gly (NM_001347830.2); short protein forms R176G, R151G, R164G.
Identifiers: ClinVar variation 3646532 (VCV003646532.2).